The following is an entry in ClinVar:

NM_002691.4(POLD1):c.317-2A>G

Gene: POLD1 (DNA polymerase delta 1, catalytic subunit; plus strand). Cytogenetic location: 19q13.33.
Variant type: single nucleotide variant.
Coding change: c.317-2A>G on transcript NM_002691.4 (MANE Select); the canonical splice acceptor site of the intron before coding-DNA position 317, A replaced by G.
Molecular consequence: splice acceptor variant.
Genome position (GRCh38, 1-based): chr19:50,401,776, A>G. VCF-style: chr19-50401776-A-G. GRCh37 (hg19) VCF-style: chr19-50905033-A-G.
Other names: c.317-2A>G (NM_001256849.1, NM_001308632.1).
Identifiers: ClinVar variation 486089 (VCV000486089.7), dbSNP rs761230747, ClinGen allele CA9595698.

ClinVar aggregate classification (germline): Uncertain significance. Review status: criteria provided, single submitter (1 of 4 stars). 2 submissions from 2 submitters: Uncertain significance (1). 1 of the submissions does not count toward it. Last evaluated 2024-09-06.

Conditions:
POLD1-related polyposis and colorectal cancer syndrome (CRCS10). Also called: Colorectal cancer 10; COLORECTAL CANCER, SUSCEPTIBILITY TO, ON CHROMOSOME 19q; Colorectal cancer, susceptibility to, 10. Identifiers: Orphanet 220460, MedGen C2675481, MONDO:0012953, OMIM 612591.
Hereditary cancer-predisposing syndrome. Also called: Tumor predisposition; Hereditary Cancer Syndrome; Hereditary neoplastic syndrome; Neoplastic Syndromes, Hereditary. Identifiers: Orphanet 140162, MedGen C0027672, MeSH D009386, MONDO:0015356.

Allele frequency attached by ClinVar (database versions not stated): gnomAD exomes 0.00001; ExAC 0.00003.
gnomAD v4.1: 7 of 1,611,704 alleles (0.00043%); highest among the groups gnomAD compares: South Asian, 0.0077%; no homozygotes.

Submissions (2):

Ambry Genetics
Classification: Uncertain significance for Hereditary cancer-predisposing syndrome. Last evaluated: 2024-09-06. Review status: criteria provided, single submitter. Criteria: Ambry Variant Classification Scheme 2023. Collection method: clinical testing. Allele origin: germline.
Comment: The c.317-2A>G intronic variant results from an A to G substitution two nucleotides upstream from coding exon 3 in the POLD1 gene. Alterations that disrupt the canonical splice site are expected to result in aberrant splicing. The resulting transcript is predicted to be in-frame and is not expected to trigger nonsense-mediated mRNA decay; however, direct evidence is unavailable. The exact functional effect of the altered amino acid sequence is unknown. In silico splice site analysis predicts that this alteration will weaken the native splice acceptor site and may result in the creation or strengthening of a novel splice acceptor site. Based on the available evidence, the clinical significance of this variant remains unclear.

Counsyl
Classification: Uncertain significance for POLD1-related polyposis and colorectal cancer syndrome. Last evaluated: 2017-03-28. Review status: no assertion criteria provided. Collection method: clinical testing. Allele origin: unknown. Not counted in ClinVar's aggregate classification.